The following is an entry in ClinVar:

NM_153676.4(USH1C):c.2490+1G>A

Gene: USH1C (USH1 protein network component harmonin; minus strand). Cytogenetic location: 11p15.1.
Variant type: single nucleotide variant.
Coding change: c.2490+1G>A on transcript NM_153676.4 (MANE Select); the canonical splice donor site of the intron after coding-DNA position 2490, G replaced by A.
Molecular consequence: splice donor variant.
Genome position (GRCh38, 1-based): chr11:17,498,161, C>T on the plus strand (G>A on the coding strand, the complement: USH1C is on the minus strand). VCF-style: chr11-17498161-C-T. GRCh37 (hg19) VCF-style: chr11-17519708-C-T.
Other names: c.1590+1G>A (NM_005709.3, NM_005709.4); c.1533+1G>A (NM_001297764.2).
Identifiers: ClinVar variation 2188531 (VCV002188531.5), dbSNP rs1554953746, ClinGen allele CA379800232.

ClinVar aggregate classification (germline): Likely pathogenic. Review status: criteria provided, multiple submitters, no conflicts (2 of 4 stars). 2 submissions from 2 submitters: Likely pathogenic (2). Last evaluated 2025-12-19.

Conditions:
Usher syndrome type 1C. Also called: USHER SYNDROME, TYPE I, ACADIAN VARIETY. Identifiers: Orphanet 231169, Orphanet 886, MedGen C1848604, MONDO:0010171, OMIM 276904.

Allele frequency attached by ClinVar (database versions not stated): TOPMed below 0.00001.

Submissions (2):

Natera, Inc.
Classification: Likely pathogenic for Usher syndrome type 1C. Last evaluated: 2025-12-19. Review status: criteria provided, single submitter. Criteria: Natera Variant Classification Schema (03/2026). Collection method: clinical testing. Allele origin: germline.
Comment: The c.1590+1G>A variant in USH1C is a canonical splice donor site variant predicted to affect pre-mRNA splicing, which may result in an abnormal transcript and altered protein product. This variant is expected to result in nonsense mediated decay, truncation, or a dysfunctional protein product. This variant is rare in the general population with a frequency below the threshold expected for the associated phenotype(s). Given the available evidence, this variant is classified as Likely Pathogenic.

Labcorp Genetics (formerly Invitae), Labcorp
Classification: Likely pathogenic. Last evaluated: 2024-02-17. Review status: criteria provided, single submitter. Criteria: Invitae Variant Classification Sherloc (09022015). Collection method: clinical testing. Allele origin: germline.
Comment: This sequence change affects a donor splice site in intron 19 of the USH1C gene. It is expected to disrupt RNA splicing. Variants that disrupt the donor or acceptor splice site typically lead to a loss of protein function (PMID: 16199547), and loss-of-function variants in USH1C are known to be pathogenic (PMID: 10973247, 17407589, 20301442, 21203349). This variant is not present in population databases (gnomAD no frequency). This variant has not been reported in the literature in individuals affected with USH1C-related conditions. ClinVar contains an entry for this variant (Variation ID: 2188531). Algorithms developed to predict the effect of sequence changes on RNA splicing suggest that this variant may disrupt the consensus splice site. In summary, the currently available evidence indicates that the variant is pathogenic, but additional data are needed to prove that conclusively. Therefore, this variant has been classified as Likely Pathogenic.

Literature cited by the submitters: PubMed 16199547 (cited by Labcorp Genetics (formerly Invitae), Labcorp); PubMed 10973247 (cited by Labcorp Genetics (formerly Invitae), Labcorp); PubMed 17407589 (cited by Labcorp Genetics (formerly Invitae), Labcorp); PubMed 20301442 (cited by Labcorp Genetics (formerly Invitae), Labcorp); PubMed 21203349 (cited by Labcorp Genetics (formerly Invitae), Labcorp).